The following is an entry in ClinVar:

ClinVar aggregate classification (germline): Benign. Review status: criteria provided, single submitter (1 of 4 stars). 2 submissions from 2 submitters: Benign (1). 1 of the submissions does not count toward it. Last evaluated 2024-01-31.

Conditions:
Wilms tumor 1 (WT1). Also called: Wilms tumor, somatic. Identifiers: Orphanet 654, MedGen CN033288, MONDO:0008679, OMIM 194070.
GPC3-related disorder. Also called: GPC3-related condition.

Allele frequency attached by ClinVar (database versions not stated): gnomAD 0.00001; gnomAD exomes 0.00001 and 0.00003; ExAC 0.00002.
gnomAD v4.1: 11 of 1,200,107 alleles (0.00092%); highest among the groups gnomAD compares: South Asian, 0.011%; no homozygotes.

Submissions (2):

Labcorp Genetics (formerly Invitae), Labcorp
Classification: Benign for Wilms tumor 1. Last evaluated: 2024-01-31. Review status: criteria provided, single submitter. Criteria: Invitae Variant Classification Sherloc (09022015). Collection method: clinical testing. Allele origin: germline.

PreventionGenetics, part of Exact Sciences
Classification: Likely benign for GPC3-related condition. Last evaluated: 2022-01-10. Review status: no assertion criteria provided. Collection method: clinical testing. Allele origin: germline. Not counted in ClinVar's aggregate classification.
Comment: This variant is classified as likely benign based on ACMG/AMP sequence variant interpretation guidelines (Richards et al. 2015 PMID: 25741868, with internal and published modifications).

NM_004484.4(GPC3):c.1641C>T (p.Asn547=)

Gene: GPC3 (glypican 3; minus strand). Cytogenetic location: Xq26.2.
Variant type: single nucleotide variant.
Coding change: c.1641C>T on transcript NM_004484.4 (MANE Select); coding-DNA position 1641, C replaced by T.
Protein change: p.Asn547=; no amino-acid change (asparagine 547 retained).
Molecular consequence: synonymous variant.
Genome position (GRCh38, 1-based): chrX:133,536,226, G>A on the plus strand (C>T on the coding strand, the complement: GPC3 is on the minus strand). VCF-style: chrX-133536226-G-A. GRCh37 (hg19) VCF-style: chrX-132670254-G-A.
Other names: c.1710C>T, p.Asn570= (NM_001164617.2); c.1593C>T, p.Asn531= (NM_001164618.2); c.1479C>T, p.Asn493= (NM_001164619.2).
Identifiers: ClinVar variation 543111 (VCV000543111.14), dbSNP rs772217919, ClinGen allele CA10520635.